The following is an entry in ClinVar:

ClinVar aggregate classification (germline): Likely benign (1 of 4 stars; one submission).

Submission:

CeGaT Center for Human Genetics Tuebingen
Classification: Likely benign. Last evaluated: 2022-04-01. Review status: criteria provided, single submitter. Criteria: CeGaT Center For Human Genetics Tuebingen Variant Classification Criteria Version 2. Collection method: clinical testing. Allele origin: germline. Affected: yes. Observed: 1 variant allele.
Comment: HERC2: BP4, BP7

NM_004667.6(HERC2):c.7164C>T (p.Ala2388=)

Gene: HERC2 (HECT and RLD domain containing E3 ubiquitin protein ligase 2; minus strand). Cytogenetic location: 15q13.1.
Variant type: single nucleotide variant.
Coding change: c.7164C>T on transcript NM_004667.6 (MANE Select); coding-DNA position 7164, C replaced by T.
Protein change: p.Ala2388=; no amino-acid change (alanine 2388 retained).
Molecular consequence: synonymous variant.
Genome position (GRCh38, 1-based): chr15:28,206,288, G>A on the plus strand (C>T on the coding strand, the complement: HERC2 is on the minus strand). VCF-style: chr15-28206288-G-A. GRCh37 (hg19) VCF-style: chr15-28451434-G-A.
Identifiers: ClinVar variation 2645061 (VCV002645061.24), dbSNP rs1898434076, ClinGen allele CA488970623.